The following is an entry in ClinVar:

NM_014141.6(CNTNAP2):c.1700G>C (p.Gly567Ala)

Gene: CNTNAP2 (contactin associated protein 2; plus strand). Cytogenetic location: 7q35.
Variant type: single nucleotide variant.
Coding change: c.1700G>C on transcript NM_014141.6 (MANE Select); coding-DNA position 1700, G replaced by C.
Protein change: p.Gly567Ala; replaces glycine 567 with alanine.
Molecular consequence: missense variant.
Genome position (GRCh38, 1-based): chr7:147,485,964, G>C. VCF-style: chr7-147485964-G-C. GRCh37 (hg19) VCF-style: chr7-147183056-G-C.
Other names: short protein forms G567A.
Identifiers: ClinVar variation 640334 (VCV000640334.9), dbSNP rs1584764202, ClinGen allele CA369925857.
Genomic context (GRCh38, chr7:147,485,964, plus strand): 5'-GTTTATTTCTGTTTGTCTCTCTCTCTGACAGATGTGTGCCCAATCACTGTGAGCATGGTG[G>C]AAAGTGCTCGCAAACATGGGACAGCTTCAAATGCACTTGTGATGAGACAGGATACAGTGG-3'
Protein context (NP_054860.1, residues 557-577): RCVPNHCEHG[Gly567Ala]KCSQTWDSFK

ClinVar aggregate classification (germline): Uncertain significance (1 of 4 stars; one submission).

Conditions:
Cortical dysplasia-focal epilepsy syndrome (PTHSL1). Also called: Pitt-Hopkins-like syndrome 1. Identifiers: Orphanet 163681, Orphanet 221150, MedGen C2750246, MONDO:0012400, OMIM 610042.

Submission:

Labcorp Genetics (formerly Invitae), Labcorp
Classification: Uncertain significance for Cortical dysplasia-focal epilepsy syndrome. Last evaluated: 2018-07-15. Review status: criteria provided, single submitter. Criteria: Invitae Variant Classification Sherloc (09022015). Collection method: clinical testing. Allele origin: germline.
Comment: In summary, the available evidence is currently insufficient to determine the role of this variant in disease. Therefore, it has been classified as a Variant of Uncertain Significance. Algorithms developed to predict the effect of missense changes on protein structure and function are either unavailable or do not agree on the potential impact of this missense change (SIFT: "Deleterious"; PolyPhen-2: "Probably Damaging"; Align-GVGD: "Class C0"). This variant has not been reported in the literature in individuals with CNTNAP2-related disease. This variant is not present in population databases (ExAC no frequency). This sequence change replaces glycine with alanine at codon 567 of the CNTNAP2 protein (p.Gly567Ala). The glycine residue is moderately conserved and there is a small physicochemical difference between glycine and alanine.